The following is an entry in ClinVar:

ClinVar aggregate classification (germline): Benign (1 of 4 stars; one submission).

Allele frequency attached by ClinVar (database versions not stated): 1000 Genomes Project 30x 0.00031; 1000 Genomes Project 0.00040; TOPMed 0.00131; gnomAD 0.00145.
gnomAD v4.1: 1,464 of 770,850 alleles (0.19%); highest among the groups gnomAD compares: Non-Finnish European, 0.29%; 5 homozygotes.

Submission:

CeGaT Center for Human Genetics Tuebingen
Classification: Benign. Last evaluated: 2023-04-01. Review status: criteria provided, single submitter. Criteria: CeGaT Center For Human Genetics Tuebingen Variant Classification Criteria Version 2. Collection method: clinical testing. Allele origin: germline. Affected: yes. Observed: 2 variant alleles.
Comment: FLT4: BS1, BS2

NM_182925.5(FLT4):c.3808-127G>C

Gene: FLT4 (fms related receptor tyrosine kinase 4; minus strand). Cytogenetic location: 5q35.3.
Variant type: single nucleotide variant.
Coding change: c.3808-127G>C on transcript NM_182925.5 (MANE Select); 127 bases into the intron before coding-DNA position 3808, G replaced by C.
Molecular consequence: intron variant.
Genome position (GRCh38, 1-based): chr5:180,609,180, C>G on the plus strand (G>C on the coding strand, the complement: FLT4 is on the minus strand). VCF-style: chr5-180609180-C-G. GRCh37 (hg19) VCF-style: chr5-180036180-C-G.
Other names: c.3808-127G>C (NM_001354989.2, NM_002020.5).
Identifiers: ClinVar variation 2498995 (VCV002498995.28), dbSNP rs115500587, ClinGen allele CA133198794.